The following is an entry in ClinVar:

ClinVar aggregate classification (germline): Pathogenic/Likely pathogenic. Review status: criteria provided, multiple submitters, no conflicts (2 of 4 stars). 2 submissions from 2 submitters: Pathogenic (1); Likely pathogenic (1). Last evaluated 2025-08-04.

Conditions:
COG6-congenital disorder of glycosylation. Also called: COG6-ongenital disorder of glycosylation; CONGENITAL DISORDER OF GLYCOSYLATION, TYPE IIl; CDG IIl; COG6-CGD. Identifiers: Orphanet 464443, MedGen C3553230, MONDO:0013810, OMIM 614576.

Submissions (2):

GeneDx
Classification: Pathogenic. Last evaluated: 2025-08-04. Review status: criteria provided, single submitter. Criteria: GeneDx Variant Classification Process June 2021. Collection method: clinical testing. Allele origin: germline. Affected: yes.
Comment: Frameshift variant predicted to result in protein truncation or nonsense mediated decay in a gene for which loss of function is a known mechanism of disease; Has not been previously published as pathogenic or benign to our knowledge

Variantyx, Inc.
Classification: Likely pathogenic for COG6-congenital disorder of glycosylation. Last evaluated: 2025-05-27. Review status: criteria provided, single submitter. Criteria: Variantyx Assertion Criteria 2022. Collection method: clinical testing. Allele origin: germline. Inheritance: Autosomal recessive inheritance. Affected: yes.
Comment: This is a frameshift variant in the COG6 gene (OMIM: 606977). Pathogenic variants in this gene have been associated with autosomal recessive congenital disorder of glycosylation type IIl . This variant introduces a premature termination codon in exon 10 out of 19 and is expected to result in loss of function, which is a known disease mechanism for COG6 in this disorder (PMID: 26260076) (PVS1). This variant has a 0.0083% maximum allele frequency in non-founder control populations (PM2). Based on the current evidence, this variant is classified as likely pathogenic for autosomal recessive congenital disorder of glycosylation type IIl .

Literature cited by the submitters: PubMed 26260076 (cited by Variantyx, Inc.).

NM_020751.3(COG6):c.984_994del (p.Leu329fs)

Gene: COG6 (component of oligomeric golgi complex 6; plus strand). Cytogenetic location: 13q14.11.
Variant type: Deletion.
Coding change: c.984_994del on transcript NM_020751.3 (MANE Select); coding-DNA positions 984 to 994, 11 bases deleted (TCTCTTAAAGC).
Protein change: p.Leu329fs; shifts the reading frame from leucine 329.
Molecular consequence: frameshift variant. On other transcripts: non-coding transcript variant (1).
Genome position (GRCh38, 1-based): chr13:39,687,774-39,687,784, TCTCTTAAAGC deleted; deleting any 11 consecutive bases within chr13:39,687,770-39,687,784 gives the same sequence; the c. name uses the placement nearest the transcript's 3' end. VCF-style (leftmost placement, unchanged base first): chr13-39687769-GAAGCTCTCTTA-G. GRCh37 (hg19) VCF-style: chr13-40261906-GAAGCTCTCTTA-G.
Other names: c.984_994del, p.Leu329fs (NM_001145079.2); short protein forms L329fs.
Identifiers: ClinVar variation 4755703 (VCV004755703.2).
Genomic context (GRCh38, chr13:39,687,769, plus strand): 5'-TATGTAGGAGATATGTTGGCTTGGCTCCATCAAGCTACTGCTTCTGAAAAGGAACACCTT[GAAGCTCTCTTA>G]AAGCATGTAACTACACAAGGTGGGTCCACCAATTGTATTGCTAATGCCTAAATATAGAAA-3'